The following is an entry in ClinVar:

NM_152415.3(VPS37A):c.714-124G>A

Gene: VPS37A (VPS37A subunit of ESCRT-I; plus strand). Cytogenetic location: 8p22.
Variant type: single nucleotide variant.
Coding change: c.714-124G>A on transcript NM_152415.3 (MANE Select); 124 bases into the intron before coding-DNA position 714, G replaced by A.
Molecular consequence: intron variant.
Genome position (GRCh38, 1-based): chr8:17,279,904, G>A. VCF-style: chr8-17279904-G-A. GRCh37 (hg19) VCF-style: chr8-17137413-G-A.
Other names: c.444-124G>A (NM_001363172.2, NM_001363168.1, NM_001363170.1 and 2 more transcripts); c.714-124G>A (NM_001363173.2, NM_001363167.1); c.639-124G>A (NM_001145152.2).
Identifiers: ClinVar variation 670266 (VCV000670266.2), dbSNP rs17587086, ClinGen allele CA4643451.

ClinVar aggregate classification (germline): Benign. Review status: criteria provided, multiple submitters, no conflicts (2 of 4 stars). 2 submissions from 2 submitters: Benign (2). Last evaluated 2018-06-14.

Allele frequency attached by ClinVar (database versions not stated): 1000 Genomes Project 30x 0.06418; 1000 Genomes Project 0.06589; TOPMed 0.10612; gnomAD 0.11975 and 0.12136; gnomAD exomes 0.12144 and 0.15742; ExAC 0.22935.
gnomAD v4.1: 178,500 of 1,177,094 alleles (15%); highest among the groups gnomAD compares: Non-Finnish European, 18%; 15,753 homozygotes.

Submissions (2):

GeneDx
Classification: Benign. Last evaluated: 2018-06-14. Review status: criteria provided, single submitter. Criteria: GeneDx Variant Classification (06012015). Collection method: clinical testing. Allele origin: germline. Affected: yes.
Comment: This variant is considered likely benign or benign based on one or more of the following criteria: it is a conservative change, it occurs at a poorly conserved position in the protein, it is predicted to be benign by multiple in silico algorithms, and/or has population frequency not consistent with disease.

Breakthrough Genomics
Classification: Benign. Review status: criteria provided, single submitter. Criteria: ACMG Guidelines, 2015. Collection method: not provided. Allele origin: germline. Inheritance: Autosomal recessive inheritance. Affected: yes.